The following is an entry in ClinVar:

ClinVar aggregate classification (germline): Benign/Likely benign. Review status: criteria provided, multiple submitters, no conflicts (2 of 4 stars). 4 submissions from 4 submitters: Benign (1); Likely benign (3). Last evaluated 2026-01-28.

Conditions:
Inborn genetic diseases. Identifiers: MedGen C0950123, MeSH D030342.
Neuronal ceroid lipofuscinosis. Also called: Neuronal Ceroid Lipofuscinoses. Identifiers: Orphanet 216, Orphanet 79263, MedGen C0027877, MONDO:0016295. Disease mechanism: loss of function.

Allele frequency attached by ClinVar (database versions not stated): gnomAD exomes 0.00004 and 0.00020; gnomAD 0.00012 and 0.00013; ESP Exome Variant Server 0.00015; ExAC 0.00019; TOPMed 0.00025.

Submissions (4):

Labcorp Genetics (formerly Invitae), Labcorp
Classification: Likely benign for Neuronal ceroid lipofuscinosis. Last evaluated: 2026-01-28. Review status: criteria provided, single submitter. Criteria: Invitae Variant Classification Sherloc (09022015). Collection method: clinical testing. Allele origin: germline.

Blueprint Genetics
Classification: Likely benign. Last evaluated: 2024-10-28. Review status: criteria provided, single submitter. Criteria: ACMG Guidelines, 2015. Collection method: clinical testing. Allele origin: germline.

Ambry Genetics
Classification: Likely benign for Inborn genetic diseases. Last evaluated: 2017-09-18. Review status: criteria provided, single submitter. Criteria: Ambry Variant Classification Scheme 2023. Collection method: clinical testing. Allele origin: germline.

GeneDx
Classification: Benign. Last evaluated: 2014-12-19. Review status: criteria provided, single submitter. Criteria: GeneDx Variant Classification (06012015). Collection method: clinical testing. Allele origin: germline. Affected: yes.
Comment: This variant is considered likely benign or benign based on one or more of the following criteria: it is a conservative change, it occurs at a poorly conserved position in the protein, it is predicted to be benign by multiple in silico algorithms, and/or has population frequency not consistent with disease.

NM_001909.5(CTSD):c.957G>A (p.Pro319=)

Gene: CTSD (cathepsin D; minus strand). Cytogenetic location: 11p15.5.
Variant type: single nucleotide variant.
Coding change: c.957G>A on transcript NM_001909.5 (MANE Select); coding-DNA position 957, G replaced by A.
Protein change: p.Pro319=; no amino-acid change (proline 319 retained).
Molecular consequence: synonymous variant.
Genome position (GRCh38, 1-based): chr11:1,754,009, C>T on the plus strand (G>A on the coding strand, the complement: CTSD is on the minus strand). VCF-style: chr11-1754009-C-T. GRCh37 (hg19) VCF-style: chr11-1775239-C-T.
Other names: p.P319P:CCG>CCA.
Identifiers: ClinVar variation 205332 (VCV000205332.14), dbSNP rs369229897, ClinGen allele CA314308.